The following is an entry in ClinVar:

ClinVar aggregate classification (germline): Likely benign (1 of 4 stars; one submission).

Conditions:
FMN2-related disorder. Also called: FMN2-related condition.

Submission:

PreventionGenetics, part of Exact Sciences
Classification: Likely benign for FMN2-related condition. Last evaluated: 2019-05-01. Review status: criteria provided, single submitter. Criteria: ACMG Guidelines, 2015. Collection method: clinical testing. Allele origin: germline.
Comment: This variant is classified as likely benign based on ACMG/AMP sequence variant interpretation guidelines (Richards et al. 2015 PMID: 25741868, with internal and published modifications).

NM_020066.5(FMN2):c.2801_2833del (p.Leu934_Pro944del)

Gene: FMN2 (formin 2; plus strand). Cytogenetic location: 1q43.
Variant type: Deletion.
Coding change: c.2801_2833del on transcript NM_020066.5 (MANE Select); coding-DNA positions 2801 to 2833, 33 bases deleted.
Protein change: p.Leu934_Pro944del.
Molecular consequence: intron variant (on NM_001348094.2).
Genome position (GRCh38, 1-based): chr1:240,207,613-240,207,645, 33 bases deleted; deleting any 33 consecutive bases within chr1:240,207,609-240,207,645 gives the same sequence; the c. name uses the placement nearest the transcript's 3' end. GRCh37 (hg19): chr1:240,370,913-240,370,945.
Other names: c.2813_2845del, p.Leu938_Pro948del (NM_001305424.2); c.1986+19351_1986+19383del (NM_001348094.2).
Identifiers: ClinVar variation 3033428 (VCV003033428.1), dbSNP rs770117573, ClinGen allele CA1476750.